The following is an entry in ClinVar:

NM_000152.5(GAA):c.1211A>G (p.Asp404Gly)

Gene: GAA (alpha glucosidase; plus strand). Cytogenetic location: 17q25.3.
Variant type: single nucleotide variant.
Coding change: c.1211A>G on transcript NM_000152.5 (MANE Select); coding-DNA position 1211, A replaced by G.
Protein change: p.Asp404Gly; replaces aspartic acid 404 with glycine.
Molecular consequence: missense variant.
Genome position (GRCh38, 1-based): chr17:80,108,713, A>G. VCF-style: chr17-80108713-A-G. GRCh37 (hg19) VCF-style: chr17-78082512-A-G.
Other names: NM_000152.5(GAA):c.1211A>G; p.Asp404Gly; c.1211A>G, p.Asp404Gly (NM_001079803.3, NM_001079804.3); c.1211A>G (NM_000152.4); short protein forms D404G.
Identifiers: ClinVar variation 959950 (VCV000959950.16), dbSNP rs886042961, ClinGen allele CA401365192.
Genomic context (GRCh38, chr17:80,108,713, plus strand): 5'-CGTCTCCTCAGGCCCCAGCAGACGGTCCCGTGTTGTGGCTGCAGGACGTCCAGTGGAACG[A>G]CCTGGACTACATGGACTCCCGGAGGGACTTCACGTTCAACAAGGATGGCTTCCGGGACTT-3'
Protein context (NP_000143.2, residues 394-414): AHFPLDVQWN[Asp404Gly]LDYMDSRRDF

ClinVar aggregate classification (germline): Likely pathogenic. Review status: reviewed by expert panel (3 of 4 stars). 5 submissions from 5 submitters: Likely pathogenic (1). 4 of the submissions do not count toward it. Last evaluated 2025-04-15.

Conditions:
Glycogen storage disease, type II (IOPD). Also called: Glycogen storage disease type 2; Acid maltase deficiency disease; Aglucosidase alfa; Deficiency of alpha-glucosidase; Deficiency of lysosomal alpha-glucosidase; Glucosidase acid-1,4-alpha deficiency. Identifiers: Orphanet 365, MedGen C0017921, MONDO:0009290, OMIM 232300.

Allele frequency attached by ClinVar (database versions not stated): gnomAD 0.00001; TOPMed 0.00001.
gnomAD v4.1: 2 of 1,612,522 alleles (0.00012%); highest among the groups gnomAD compares: Non-Finnish European, 0.00017%; no homozygotes.

Submissions (5):

ClinGen Lysosomal Storage Disorder Variant Curation Expert Panel
Classification: Likely pathogenic for Glycogen storage disease, type II. Last evaluated: 2025-04-15. Review status: reviewed by expert panel. Criteria: clingen_lsd_acmg_specifications_v2-1. Collection method: curation. Allele origin: germline. Inheritance: Autosomal recessive inheritance.
Comment: The NM_000152.5:c.1211A>G variant in GAA is a missense variant predicted to cause substitution of aspartic acid by glycine at amino acid 404 (p.Asp404Gly). It has been reported in two individuals from the same family with Pompe disease: an adult with documentation of deficient GAA and clinical features consistent with LOPD, and a child with documentation of deficient GAA and clinical features of IOPD; both individuals treated enzyme replacement therapy (PMID: 24384324) (PP4_moderate). Both individuals are compound heterozygous for the variant, the adult individual had the variant in trans with c.695+5G>T (phase confirmed) and the child had the variant in trans (phase confirmed) with a variant that has been classified as pathogenic by the ClinGen Lysosomal Diseases VCEP, c.1798C>T (PM3). The highest population minor allele frequency in gnomAD v4.1.0 is 0.000001695 (2/1179940 alleles) in the European (non-Finnish)] population, which is lower than the ClinGen Lysosomal Diseases VCEP’s threshold for PM2_Supporting (<0.001), meeting this criterion (PM2_Supporting). This variant alters amino acid Asp404, a residue that crystallography studies have shown to be important in the active site of GAA, and therefore has been defined as a critical residue by the ClinGen Lysosomal Diseases VCEP (PMID: 29061980) (PM1). When expressed in HEK293T cells, this variant resulted in normal intracellular amounts of 110 kDa precursor, 95 kDa intermediate, and 76 kDa mature forms of GAA but 12.6% wild type GAA activity in cells and 4.6% in culture media. This suggests that this variant results in a catalytic deficiency but does not impact GAA synthesis and processing. The computational predictor REVEL gives a score of 0.968 which is above the threshold of 0.7, evidence that correlates with impact to GAA function (PP3). There is a ClinVar entry for this variant (Variation ID: 959950 , 2-star review status) with 2 submitters classifying the variant as pathogenic. In summary, this variant meets the criteria to be classified as likely pathogenic for Pompe disease based on the ACMG/AMP criteria applied, as specified by the ClinGen Lysosomal Diseases Variant Curation Expert panel (specifications Version 2.0): PP4_moderate, PM3, PM2_supporting, PM1, PS3_supporting (Classification approved by the ClinGen Lysosomal Diseases Variant Curation Expert Panel on April 15, 2025)

Genomenon, Inc
Classification: Likely pathogenic for Glycogen storage disease, type II. Last evaluated: 2026-07-01. Review status: criteria provided, single submitter. Criteria: Genomenon Sequence Variant Interpretation Standards - Updated. Collection method: curation. Allele origin: germline. Affected: yes. Not counted in ClinVar's aggregate classification.
Comment: GAA p.Asp404Gly (c.1211A>G) is a missense variant that changes the amino acid at codon 404 from Aspartic acid to Glycine. This variant has been observed in at least one proband with a GAA-related disorder in the compound heterozygous and/or homozygous state (PMID:24384324). At least one functional study has demonstrated a substantial alteration in protein function relative to the wild-type (PMID:24384324). The variant is located in a mutational hotspot and/or important functional domain. It is absent or not present at a significant frequency in gnomAD. In silico models predict that this variant is possibly or probably damaging. In conclusion, we classify GAA p.Asp404Gly (c.1211A>G) as a likely pathogenic variant.

Labcorp Genetics (formerly Invitae), Labcorp
Classification: Pathogenic for Glycogen storage disease, type II. Last evaluated: 2026-01-27. Review status: criteria provided, single submitter. Criteria: Invitae Variant Classification Sherloc (09022015). Collection method: clinical testing. Allele origin: germline. Not counted in ClinVar's aggregate classification.
Comment: This sequence change replaces aspartic acid, which is acidic and polar, with glycine, which is neutral and non-polar, at codon 404 of the GAA protein (p.Asp404Gly). This variant is not present in population databases (gnomAD no frequency). This missense change has been observed in individual(s) with Pompe disease (PMID: 24384324). In at least one individual the data is consistent with being in trans (on the opposite chromosome) from a pathogenic variant. It has also been observed to segregate with disease in related individuals. ClinVar contains an entry for this variant (Variation ID: 959950). Invitae Evidence Modeling of protein sequence and biophysical properties (such as structural, functional, and spatial information, amino acid conservation, physicochemical variation, residue mobility, and thermodynamic stability) indicates that this missense variant is expected to disrupt GAA protein function with a positive predictive value of 95%. This variant disrupts the p.Asp404 amino acid residue in GAA. Other variant(s) that disrupt this residue have been determined to be pathogenic (PMID: 16433701, 22658377). This suggests that this residue is clinically significant, and that variants that disrupt this residue are likely to be disease-causing. For these reasons, this variant has been classified as Pathogenic.

Natera, Inc.
Classification: Likely pathogenic for Glycogen storage disease type II. Last evaluated: 2025-10-08. Review status: criteria provided, single submitter. Criteria: Natera Variant Classification Schema (03/2026). Collection method: clinical testing. Allele origin: germline. Not counted in ClinVar's aggregate classification.
Comment: The c.1211A>G variant in GAA is a missense variant predicted to cause substitution of aspartic acid to glycine at amino acid 404. This variant is rare in the general population with a frequency below the threshold expected for the associated phenotype(s). This variant has been observed in one or more individuals affected with the associated recessive disease, as either homozygous or compound heterozygous with a second variant (PMID: 24384324). Additionally, this variant has been observed to segregate in affected family members (PMID: 24384324). This variant is located in a functionally critical region of the protein. A different variant at the same position has been determined to be Pathogenic or Likely Pathogenic. Computational prediction algorithms indicate this variant is likely to affect gene or protein function. Given the available evidence, this variant is classified as Likely Pathogenic.

Baylor Genetics
Classification: Pathogenic for Glycogen storage disease, type II. Last evaluated: 2024-02-14. Review status: criteria provided, single submitter. Criteria: ACMG Guidelines, 2015. Collection method: clinical testing. Allele origin: unknown. Not counted in ClinVar's aggregate classification.

Literature cited by the submitters: PubMed 24384324 (cited by 3 submitters); PubMed 16433701 (cited by Labcorp Genetics (formerly Invitae), Labcorp); PubMed 22658377 (cited by Labcorp Genetics (formerly Invitae), Labcorp).